The following is an entry in ClinVar:

ClinVar aggregate classification (germline): Likely pathogenic (1 of 4 stars; one submission).

Conditions:
Autosomal recessive polycystic kidney disease (ARPKD). Also called: AR polycystic kidney disease. Identifiers: Orphanet 731, Orphanet 8378, MedGen C0085548, MeSH D017044, MONDO:0009889.

Submission:

Natera, Inc.
Classification: Likely pathogenic for Autosomal recessive polycystic kidney disease. Last evaluated: 2024-08-06. Review status: criteria provided, single submitter. Criteria: Natera Variant Classification Schema (03/2026). Collection method: clinical testing. Allele origin: germline.
Comment: The c.1237A>T variant in PKHD1 is a nonsense variant predicted to introduce a stop codon at amino acid 413. This variant is expected to result in nonsense mediated decay, truncation, or a dysfunctional protein product. This variant is rare in the general population with a frequency below the threshold expected for the associated phenotype(s). Given the available evidence, this variant is classified as Likely Pathogenic.

NM_138694.4(PKHD1):c.1237A>T (p.Lys413Ter)

Gene: PKHD1 (PKHD1 ciliary IPT domain containing fibrocystin/polyductin; minus strand). Cytogenetic location: 6p12.2.
Variant type: single nucleotide variant.
Coding change: c.1237A>T on transcript NM_138694.4 (MANE Select); coding-DNA position 1237, A replaced by T.
Protein change: p.Lys413Ter; replaces lysine 413 with a stop codon.
Molecular consequence: nonsense.
Genome position (GRCh38, 1-based): chr6:52,058,598, T>A on the plus strand (A>T on the coding strand, the complement: PKHD1 is on the minus strand). VCF-style: chr6-52058598-T-A. GRCh37 (hg19) VCF-style: chr6-51923396-T-A.
Other names: c.1237A>T, p.Lys413Ter (NM_170724.3); short protein forms K413*.
Identifiers: ClinVar variation 4816573 (VCV004816573.1).
Genomic context (GRCh38, chr6:52,058,598, plus strand): 5'-CCCTATTCTGCTCCCAGGAGTCAAACCAGTCAGCAGTGCCGACGCTGATGGAGGCCACTT[T>A]CACCTATGCCCAAATAAGCATATCATGATCAATACTATGCAGCTTCCAGGCATCTCTTTC-3'